The following is an entry in ClinVar:

ClinVar aggregate classification (germline): Conflicting classifications of pathogenicity. Review status: criteria provided, conflicting classifications (1 of 4 stars). 8 submissions from 8 submitters: Uncertain significance (1); Benign (1); Likely benign (5). 1 of the submissions does not count toward it. Last evaluated 2026-04-01.

Conditions:
Genitopatellar syndrome (GTPTS). Also called: Genitopatellar syndrome (GPS); ABSENT PATELLAE, SCROTAL HYPOPLASIA, RENAL ANOMALIES, FACIAL DYSMORPHISM, AND MENTAL RETARDATION. Identifiers: Orphanet 85201, MedGen C1853566, MONDO:0011640, OMIM 606170.
KAT6B-related disorder. Also called: KAT6B-related disorders; KAT6B-related condition.
Inborn genetic diseases. Identifiers: MedGen C0950123, MeSH D030342.
Blepharophimosis - intellectual disability syndrome, SBBYS type (SBBYSS). Also called: Say-Barber-Biesecker variant of Ohdo syndrome (SBBYSS); Say-Barber-Biesecker-Young-Simpson variant of Ohdo Syndrome; Say-Barber-Biesecker Variant of Ohdo Syndrome; Young Simpson syndrome; Mental retardation unusual facies hypothyroidism; Ohdo syndrome, SBBYS variant. Identifiers: Orphanet 3047, MedGen C1863557, MONDO:0011365, OMIM 603736.

Allele frequency attached by ClinVar (database versions not stated): TOPMed 0.00015; gnomAD exomes 0.00019; gnomAD 0.00021; ExAC 0.00022.

Submissions (8):

CeGaT Center for Human Genetics Tuebingen
Classification: Likely benign. Last evaluated: 2026-04-01. Review status: criteria provided, single submitter. Criteria: CeGaT Center For Human Genetics Tuebingen Variant Classification Criteria Version 2. Collection method: clinical testing. Allele origin: germline. Affected: yes. Observed: 2 variant alleles.
Comment: KAT6B: BP4, BS1

Labcorp Genetics (formerly Invitae), Labcorp
Classification: Benign for Genitopatellar syndrome. Last evaluated: 2026-01-22. Review status: criteria provided, single submitter. Criteria: Invitae Variant Classification Sherloc (09022015). Collection method: clinical testing. Allele origin: germline.

Blueprint Genetics
Classification: Likely benign. Last evaluated: 2024-10-03. Review status: criteria provided, single submitter. Criteria: ACMG Guidelines, 2015. Collection method: clinical testing. Allele origin: germline.

Ambry Genetics
Classification: Likely benign for Inborn genetic diseases. Last evaluated: 2022-10-12. Review status: criteria provided, single submitter. Criteria: Ambry Variant Classification Scheme 2023. Collection method: clinical testing. Allele origin: germline.

Fulgent Genetics
Classification: Likely benign for Blepharophimosis - intellectual disability syndrome, SBBYS type; Genitopatellar syndrome. Last evaluated: 2022-04-18. Review status: criteria provided, single submitter. Criteria: ACMG Guidelines, 2015. Collection method: clinical testing. Allele origin: unknown.

GeneDx
Classification: Likely benign. Last evaluated: 2020-01-23. Review status: criteria provided, single submitter. Criteria: GeneDx Variant Classification Process June 2021. Collection method: clinical testing. Allele origin: germline. Affected: yes.

Revvity Omics, Revvity
Classification: Uncertain significance. Last evaluated: 2019-03-21. Review status: criteria provided, single submitter. Criteria: ACMG Guidelines, 2015. Collection method: clinical testing. Allele origin: germline.

PreventionGenetics, part of Exact Sciences
Classification: Likely benign for KAT6B-related condition. Last evaluated: 2022-08-17. Review status: no assertion criteria provided. Collection method: clinical testing. Allele origin: germline. Not counted in ClinVar's aggregate classification.
Comment: This variant is classified as likely benign based on ACMG/AMP sequence variant interpretation guidelines (Richards et al. 2015 PMID: 25741868, with internal and published modifications).

NM_012330.4(KAT6B):c.4211G>A (p.Arg1404His)

Gene: KAT6B (lysine acetyltransferase 6B; plus strand). Cytogenetic location: 10q22.2.
Variant type: single nucleotide variant.
Coding change: c.4211G>A on transcript NM_012330.4 (MANE Select); coding-DNA position 4211, G replaced by A.
Protein change: p.Arg1404His; replaces arginine 1404 with histidine.
Molecular consequence: missense variant.
Genome position (GRCh38, 1-based): chr10:75,029,035, G>A. VCF-style: chr10-75029035-G-A. GRCh37 (hg19) VCF-style: chr10-76788793-G-A.
Other names: c.4211G>A (NM_012330.2); c.3662G>A, p.Arg1221His (NM_001256468.2, NM_001370138.1); c.3335G>A, p.Arg1112His (NM_001256469.2, NM_001370139.1, NM_001370140.1 and 2 more transcripts); c.3173G>A, p.Arg1058His (NM_001370132.1); c.2522G>A, p.Arg841His (NM_001370133.1); c.2126G>A, p.Arg709His (NM_001370134.1); c.1868G>A, p.Arg623His (NM_001370135.1); c.4211G>A, p.Arg1404His (NM_001370136.1, NM_001370137.1); and 1 more; short protein forms R1049H, R1058H, R1112H, R1221H, R1404H, R623H, R709H, R841H.
Identifiers: ClinVar variation 1195636 (VCV001195636.41), dbSNP rs563033366, ClinGen allele CA5564993.